The following is an entry in ClinVar:

ClinVar aggregate classification (germline): Likely pathogenic (1 of 4 stars; one submission).

Conditions:
Severe myoclonic epilepsy in infancy (DRVT). Also called: Severe Myoclonic Epilepsy in Infancy (SMEI); Dravet syndrome; Epileptic encephalopathy, early infantile, 6 (Dravet syndrome); SEVERE MYOCLONIC EPILEPSY OF INFANCY; DEVELOPMENTAL AND EPILEPTIC ENCEPHALOPATHY 6A. Identifiers: Orphanet 33069, MedGen C0751122, MONDO:0100135, OMIM 607208.

Submission:

3billion
Classification: Likely pathogenic for Severe myoclonic epilepsy in infancy. Last evaluated: 2022-03-22. Review status: criteria provided, single submitter. Criteria: ACMG Guidelines, 2015. Collection method: clinical testing. Allele origin: germline. Affected: yes. Observed: 1 heterozygote.
Comment: Frameshift: predicted to result in a loss or disruption of normal protein function through protein truncation. The predicted truncated protein may be shortened by more than 10%.It is not observed in the gnomAD v2.1.1 dataset. Therefore, this variant is classified as likely pathogenic according to the recommendation of ACMG/AMP guideline.

NM_001165963.4(SCN1A):c.4752_4753del (p.Thr1585fs)

Genes: SCN1A (sodium voltage-gated channel alpha subunit 1; minus strand), LOC102724058 (uncharacterized LOC102724058; plus strand). Cytogenetic location: 2q24.3.
Variant type: Deletion.
Coding change: c.4752_4753del on transcript NM_001165963.4 (MANE Select); coding-DNA positions 4752 to 4753, 2 bases deleted (TA; older notation c.4752_4753delTA).
Protein change: p.Thr1585fs; shifts the reading frame from threonine 1585.
Molecular consequence: frameshift variant. On other transcripts: non-coding transcript variant (1).
Genome position (GRCh38, 1-based): chr2:165,994,245-165,994,246, TA deleted on the plus strand (TA on the coding strand, the reverse complement: SCN1A is on the minus strand). VCF-style (leftmost placement, unchanged base first): chr2-165994244-GTA-G. GRCh37 (hg19) VCF-style: chr2-166850754-GTA-G.
Other names: c.4668_4669del, p.Thr1557fs (NM_001165964.3, NM_001353957.2, NM_001353958.2); c.4752_4753del, p.Thr1585fs (NM_001202435.3, NM_001353948.2); c.4719_4720del, p.Thr1574fs (NM_001353949.2, NM_001353950.2, NM_001353951.2 and 2 more transcripts); c.4716_4717del, p.Thr1573fs (NM_001353954.2, NM_001353955.2); c.4665_4666del, p.Thr1556fs (NM_001353960.2); c.2310_2311del, p.Thr771fs (NM_001353961.2); short protein forms T1556fs, T1557fs, T1573fs, T1574fs, T1585fs, T771fs.
Identifiers: ClinVar variation 1526216 (VCV001526216.1), dbSNP rs2105448260, ClinGen allele CA2573133024.